The following is an entry in ClinVar:

ClinVar aggregate classification (germline): Uncertain significance. Review status: criteria provided, multiple submitters, no conflicts (2 of 4 stars). 3 submissions from 3 submitters: Uncertain significance (3). Last evaluated 2024-08-06.

Conditions:
Ehlers-Danlos syndrome, type 4 (EDSVASC). Also called: Ehlers-Danlos Syndrome Type IV; Ehlers-Danlos syndrome vascular type; Ehlers Danlos syndrome, ecchymotic type; Ehlers Danlos syndrome, arterial type; Ehlers Danlos syndrome, Sack-Barabas type. Identifiers: Orphanet 286, MedGen C0268338, MONDO:0017314, OMIM 130050.
Familial thoracic aortic aneurysm and aortic dissection (TAAD). Also called: Thoracic aortic aneurysms and dissections. Identifiers: Orphanet 91387, MedGen C4707243, MONDO:0019625.

Allele frequency attached by ClinVar (database versions not stated): gnomAD 0.00001; TOPMed 0.00001; gnomAD exomes 0.00002; ExAC 0.00003; ESP Exome Variant Server 0.00008.
gnomAD v4.1: 6 of 1,614,028 alleles (0.00037%); highest among the groups gnomAD compares: East Asian, 0.0022%; no homozygotes.

Submissions (3):

All of Us Research Program, National Institutes of Health
Classification: Uncertain significance for Ehlers-Danlos syndrome, type 4. Last evaluated: 2024-08-06. Review status: criteria provided, single submitter. Criteria: ACMG Guidelines, 2015. Collection method: clinical testing. Allele origin: germline. Inheritance: Autosomal dominant inheritance. Observed: 1 variant allele, 1 heterozygote.
Comment: Variant of Uncertain Significance due to insufficient evidence: This missense variant replaces glutamic acid with lysine at codon 1322 of the COL3A1 protein. Computational prediction tools and conservation analyses are inconclusive regarding the impact of this variant on the protein function. Computational splicing tools suggest that this variant may not impact RNA splicing. To our knowledge, functional assays have not been performed for this variant nor has this variant been reported in individuals affected with cardiovascular disorders in the literature. This variant has been identified in 4/251418 chromosomes in the general population by the Genome Aggregation Database (gnomAD). Available evidence is insufficient to determine the role of this variant in disease conclusively.

This study involves interpretation of variants in research participants for the purpose of population health screening. Participant phenotype was not available at the time of variant classification. Additional details can be found in publication PMID: 35346344, PMCID: PMC8962531

Labcorp Genetics (formerly Invitae), Labcorp
Classification: Uncertain significance for Ehlers-Danlos syndrome, type 4. Last evaluated: 2024-07-01. Review status: criteria provided, single submitter. Criteria: Invitae Variant Classification Sherloc (09022015). Collection method: clinical testing. Allele origin: germline.
Comment: This sequence change replaces glutamic acid, which is acidic and polar, with lysine, which is basic and polar, at codon 1322 of the COL3A1 protein (p.Glu1322Lys). This variant is present in population databases (rs149522780, gnomAD 0.006%). This variant has not been reported in the literature in individuals affected with COL3A1-related conditions. ClinVar contains an entry for this variant (Variation ID: 923293). Advanced modeling of protein sequence and biophysical properties (such as structural, functional, and spatial information, amino acid conservation, physicochemical variation, residue mobility, and thermodynamic stability) performed at Invitae indicates that this missense variant is not expected to disrupt COL3A1 protein function with a negative predictive value of 95%. In summary, the available evidence is currently insufficient to determine the role of this variant in disease. Therefore, it has been classified as a Variant of Uncertain Significance.

Color Diagnostics, LLC DBA Color Health
Classification: Uncertain significance for Familial thoracic aortic aneurysm and aortic dissection. Last evaluated: 2023-12-04. Review status: criteria provided, single submitter. Criteria: ACMG Guidelines, 2015. Collection method: clinical testing. Allele origin: germline.
Comment: Variant of Uncertain Significance due to insufficient evidence: This missense variant replaces glutamic acid with lysine at codon 1322 of the COL3A1 protein. Computational prediction tools and conservation analyses are inconclusive regarding the impact of this variant on the protein function. Computational splicing tools suggest that this variant may not impact RNA splicing. To our knowledge, functional assays have not been performed for this variant nor has this variant been reported in individuals affected with cardiovascular disorders in the literature. This variant has been identified in 4/251418 chromosomes in the general population by the Genome Aggregation Database (gnomAD). Available evidence is insufficient to determine the role of this variant in disease conclusively.

NM_000090.4(COL3A1):c.3964G>A (p.Glu1322Lys)

Gene: COL3A1 (collagen type III alpha 1 chain; plus strand). Cytogenetic location: 2q32.2.
Variant type: single nucleotide variant.
Coding change: c.3964G>A on transcript NM_000090.4 (MANE Select); coding-DNA position 3964, G replaced by A.
Protein change: p.Glu1322Lys; replaces glutamic acid 1322 with lysine.
Molecular consequence: missense variant.
Genome position (GRCh38, 1-based): chr2:189,010,318, G>A. VCF-style: chr2-189010318-G-A. GRCh37 (hg19) VCF-style: chr2-189875044-G-A.
Other names: short protein forms E1322K.
Identifiers: ClinVar variation 923293 (VCV000923293.8), dbSNP rs149522780, ClinGen allele CA076365.